The following is an entry in ClinVar:

NM_001267550.2(TTN):c.48399C>A (p.Asn16133Lys)

Genes: TTN-AS1 (TTN antisense RNA 1; plus strand), TTN (titin; minus strand). Cytogenetic location: 2q31.2.
Variant type: single nucleotide variant.
Coding change: c.48399C>A on transcript NM_001267550.2 (MANE Select); coding-DNA position 48399, C replaced by A.
Protein change: p.Asn16133Lys; replaces asparagine 16133 with lysine.
Molecular consequence: missense variant.
Genome position (GRCh38, 1-based): chr2:178,615,702, G>T on the plus strand (C>A on the coding strand, the complement: TTN is on the minus strand). VCF-style: chr2-178615702-G-T. GRCh37 (hg19) VCF-style: chr2-179480429-G-T.
Other names: c.43476C>A, p.Asn14492Lys (NM_001256850.1); c.21204C>A, p.Asn7068Lys (NM_003319.4); c.40695C>A, p.Asn13565Lys (NM_133378.4); c.21579C>A, p.Asn7193Lys (NM_133432.3); c.21780C>A, p.Asn7260Lys (NM_133437.4); short protein forms N16133K, N14492K, N13565K, N7068K, N7193K, N7260K.
Identifiers: ClinVar variation 404845 (VCV000404845.4), dbSNP rs1060500470, ClinGen allele CA16610488.

ClinVar aggregate classification (germline): Uncertain significance. Review status: criteria provided, multiple submitters, no conflicts (2 of 4 stars). 2 submissions from 2 submitters: Uncertain significance (2). Last evaluated 2017-06-30.

Conditions:
Dilated cardiomyopathy 1G (CMD1G). Identifiers: Orphanet 154, MedGen C1858763, MONDO:0011400, OMIM 604145.
Autosomal recessive limb-girdle muscular dystrophy type 2J (LGMDR10). Also called: Limb-girdle muscular dystrophy, type 2J; MUSCULAR DYSTROPHY, LIMB-GIRDLE, AUTOSOMAL RECESSIVE 10. Identifiers: Orphanet 140922, MedGen C1837342, MONDO:0012127, OMIM 608807.

Submissions (2):

GeneDx
Classification: Uncertain significance. Last evaluated: 2017-06-30. Review status: criteria provided, single submitter. Criteria: GeneDx Variant Classification (06012015). Collection method: clinical testing. Allele origin: germline. Affected: yes.
Comment: The N14492K variant in the TTN gene has not been reported previously as a pathogenic variant, nor as a benign variant, to our knowledge. The N14492K variant is not observed in large population cohorts (Lek et al., 2016; 1000 Genomes Consortium et al., 2015; Exome Variant Server). The N14492K variant is a semi-conservative amino acid substitution, which may impact secondary protein structure as these residues differ in some properties. This substitution occurs at a position that is conserved across species. In silico analysis predicts this variant is probably damaging to the protein structure/function. We interpret N14492K as a variant of uncertain significance.

Labcorp Genetics (formerly Invitae), Labcorp
Classification: Uncertain significance for Dilated cardiomyopathy 1G; Autosomal recessive limb-girdle muscular dystrophy type 2J. Last evaluated: 2016-12-29. Review status: criteria provided, single submitter. Criteria: Invitae Variant Classification Sherloc (09022015). Collection method: clinical testing. Allele origin: germline.